The following is an entry in ClinVar:

NM_001267550.2(TTN):c.1641G>A (p.Gln547=)

Gene: TTN (titin; minus strand). Cytogenetic location: 2q31.2.
Variant type: single nucleotide variant.
Coding change: c.1641G>A on transcript NM_001267550.2 (MANE Select); coding-DNA position 1641, G replaced by A.
Protein change: p.Gln547=; no amino-acid change (glutamine 547 retained).
Molecular consequence: synonymous variant.
Genome position (GRCh38, 1-based): chr2:178,792,093, C>T on the plus strand (G>A on the coding strand, the complement: TTN is on the minus strand). VCF-style: chr2-178792093-C-T. GRCh37 (hg19) VCF-style: chr2-179656820-C-T.
Other names: c.1641G>A, p.Gln547= (NM_001256850.1, NM_003319.4, NM_133378.4 and 3 more transcripts).
Identifiers: ClinVar variation 3895241 (VCV003895241.1).

ClinVar aggregate classification (germline): Likely benign (1 of 4 stars; one submission).

Submission:

Molecular Diagnostic Laboratory for Inherited Cardiovascular Disease, Montreal Heart Institute
Classification: Likely benign. Last evaluated: 2025-04-09. Review status: criteria provided, single submitter. Criteria: ACMG Guidelines, 2015. Collection method: clinical testing. Allele origin: germline. Affected: no.
Comment: BP7